The following is an entry in ClinVar:

ClinVar aggregate classification (germline): Uncertain significance (1 of 4 stars; one submission).

Conditions:
Autoimmune lymphoproliferative syndrome, type III caused by mutation in PRKCD. Identifiers: Orphanet 3261, Orphanet 664711, MedGen C3809928, MONDO:8000024, OMIM 615559.

Submission:

Labcorp Genetics (formerly Invitae), Labcorp
Classification: Uncertain significance for Autoimmune lymphoproliferative syndrome, type III caused by mutation in PRKCD. Last evaluated: 2021-03-07. Review status: criteria provided, single submitter. Criteria: Invitae Variant Classification Sherloc (09022015). Collection method: clinical testing. Allele origin: germline.
Comment: This variant, c.142_144del, results in the deletion of 1 amino acid(s) of the PRKCD protein (p.Lys48del), but otherwise preserves the integrity of the reading frame. This variant is not present in population databases (ExAC no frequency). This variant has not been reported in the literature in individuals with PRKCD-related conditions. Experimental studies and prediction algorithms are not available or were not evaluated, and the functional significance of this variant is currently unknown. In summary, the available evidence is currently insufficient to determine the role of this variant in disease. Therefore, it has been classified as a Variant of Uncertain Significance.

NM_006254.4(PRKCD):c.139AAG[1] (p.Lys48del)

Gene: PRKCD (protein kinase C delta; plus strand). Cytogenetic location: 3p21.1.
Variant type: Microsatellite.
Coding change: c.139AAG[1] on transcript NM_006254.4 (MANE Select); one copy of the 3-base unit AAG starting at c.139; the reference has two copies in a row; one copy, 3 bases deleted.
Protein change: p.Lys48del; deletes lysine 48.
Molecular consequence: inframe deletion.
Genome position (GRCh38, 1-based): chr3:53,179,603-53,179,605, AAG deleted; deleting any 3 consecutive bases within chr3:53,179,598-53,179,605 gives the same sequence; the position shown is the placement nearest the transcript's 3' end. VCF-style (leftmost placement, unchanged base first): chr3-53179597-CAGA-C. GRCh37 (hg19) VCF-style: chr3-53213613-CAGA-C.
Other names: c.139AAG[1], p.Lys48del (NM_001316327.2, NM_001354679.2, NM_001354680.2 and 1 more transcripts); c.196AAG[1], p.Lys67del (NM_001354676.2); c.187AAG[1], p.Lys64del (NM_001354678.2); short protein forms K48del, K67del, K64del.
Identifiers: ClinVar variation 1348275 (VCV001348275.8), dbSNP rs2107256592, ClinGen allele CA2580616487.
Genomic context (GRCh38, chr3:53,179,597, plus strand): 5'-GGGGCCATGGCCCAACCTTCTCTGCCTGGCCTTGTTGCAGAGCGTGGGAAAACACTGGTG[CAGA>C]AGAAGCCGACCATGTATCCTGAGTGGAAGTCGACGTTCGATGCCCACATCTATGAGGGGC-3'